The following is an entry in ClinVar:

NM_000392.5(ABCC2):c.1939G>T (p.Glu647Ter)

Gene: ABCC2 (ATP binding cassette subfamily C member 2; plus strand). Cytogenetic location: 10q24.2.
Variant type: single nucleotide variant.
Coding change: c.1939G>T on transcript NM_000392.5 (MANE Select); coding-DNA position 1939, G replaced by T.
Protein change: p.Glu647Ter; replaces glutamic acid 647 with a stop codon.
Molecular consequence: nonsense.
Genome position (GRCh38, 1-based): chr10:99,811,574, G>T. VCF-style: chr10-99811574-G-T. GRCh37 (hg19) VCF-style: chr10-101571331-G-T.
Other names: short protein forms E647*.
Identifiers: ClinVar variation 2910250 (VCV002910250.5), dbSNP rs750683352, ClinGen allele CA5643343.

ClinVar aggregate classification (germline): Pathogenic. Review status: criteria provided, multiple submitters, no conflicts (2 of 4 stars). 2 submissions from 2 submitters: Pathogenic (2). Last evaluated 2023-07-30.

Conditions:
Dubin-Johnson syndrome (DJS). Also called: HYPERBILIRUBINEMIA, DUBIN-JOHNSON TYPE; Hyperbilirubinemia type 2; Jaundice, Chronic Idiopathic. Identifiers: Orphanet 234, MedGen C0022350, MONDO:0009380, OMIM 237500.

Submissions (2):

Labcorp Genetics (formerly Invitae), Labcorp
Classification: Pathogenic. Last evaluated: 2023-07-30. Review status: criteria provided, single submitter. Criteria: Invitae Variant Classification Sherloc (09022015). Collection method: clinical testing. Allele origin: germline.
Comment: For these reasons, this variant has been classified as Pathogenic. This premature translational stop signal has been observed in individual(s) with Dubin‑Johnson syndrome (PMID: 30344695). This variant is present in population databases (rs750683352, gnomAD 0.003%). This sequence change creates a premature translational stop signal (p.Glu647*) in the ABCC2 gene. It is expected to result in an absent or disrupted protein product. Loss-of-function variants in ABCC2 are known to be pathogenic (PMID: 9185779, 16549534, 16952291).

Juno Genomics, Hangzhou Juno Genomics, Inc
Classification: Pathogenic for Dubin-Johnson syndrome. Review status: criteria provided, single submitter. Criteria: ACMG Guidelines, 2015. Collection method: clinical testing. Allele origin: germline.
Comment: Absent from controls (or at extremely low frequency if recessive) in Genome Aggregation Database.;Null variant in a gene where loss of function (LOF) is a known mechanism of disease.;For recessive disorders, detected in trans with a pathogenic variant.

Literature cited by the submitters: PubMed 30344695 (cited by Labcorp Genetics (formerly Invitae), Labcorp); PubMed 9185779 (cited by Labcorp Genetics (formerly Invitae), Labcorp); PubMed 16549534 (cited by Labcorp Genetics (formerly Invitae), Labcorp); PubMed 16952291 (cited by Labcorp Genetics (formerly Invitae), Labcorp).